The following is an entry in ClinVar:

NM_000212.3(ITGB3):c.1143A>T (p.Val381=)

Gene: ITGB3 (integrin subunit beta 3; plus strand). Cytogenetic location: 17q21.32.
Variant type: single nucleotide variant.
Coding change: c.1143A>T on transcript NM_000212.3 (MANE Select); coding-DNA position 1143, A replaced by T.
Protein change: p.Val381=; no amino-acid change (valine 381 retained).
Molecular consequence: synonymous variant.
Genome position (GRCh38, 1-based): chr17:47,290,971, A>T. VCF-style: chr17-47290971-A-T. GRCh37 (hg19) VCF-style: chr17-45368337-A-T.
Other names: NM_000212.3(ITGB3):c.1143A>T; p.Val381=.
Identifiers: ClinVar variation 890709 (VCV000890709.11), dbSNP rs15908, ClinGen allele CA8623176.

ClinVar aggregate classification (germline): Benign. Review status: reviewed by expert panel (3 of 4 stars). 5 submissions from 5 submitters: Benign (1). 4 of the submissions do not count toward it. Last evaluated 2023-09-07.

Conditions:
ITGB3-related disorder. Also called: ITGB3-related condition.
Glanzmann thrombasthenia. Also called: THROMBASTHENIA OF GLANZMANN AND NAEGELI; Thrombasthenia; PLATELET GLYCOPROTEIN IIb-IIIa DEFICIENCY; Glanzmann's thrombasthenia. Identifiers: Orphanet 849, MedGen C0040015, MONDO:0100326.

Allele frequency attached by ClinVar (database versions not stated): 1000 Genomes Project 0.00200; 1000 Genomes Project 30x 0.00250.
gnomAD v4.1: 204 of 1,613,844 alleles (0.013%); highest among the groups gnomAD compares: East Asian, 0.39%; 1 homozygote.

Submissions (5):

ClinGen Platelet Disorders Variant Curation Expert Panel, ClinGen
Classification: Benign for Glanzmann thrombasthenia. Last evaluated: 2023-09-07. Review status: reviewed by expert panel. Criteria: ClinGen Platelet ACMG Specifications v2-1. Collection method: curation. Allele origin: germline. Inheritance: Autosomal recessive inheritance.
Comment: The c.1143A>T (p.Val381=) variant is a synonymous variant that is not predicted by SpliceAI to impact splicing. In addition, it occurs at a nucleotide that is not conserved as shown by phyloP score of -0.329 (BP7). The computational predictor REVEL predicts no damaging effect on ITGB3 function (BP4). The highest population minor allele frequency in gnomAD v2.1.1 is 0.006167 (123/19946 alleles) in the East Asian population, which is higher than the ClinGen PD VCEP threshold (>0.0024) for BA1, and therefore meets this criterion (BA1). In summary, this variant meets the criteria to be classified as Benign for autosomal recessive Glanzmann Thrombasthenia based on the ACMG/AMP criteria applied, as specified by the ClinGen PD VCEP: BP7, BP4 and BA1 (VCEP specifications version 2).

Labcorp Genetics (formerly Invitae), Labcorp
Classification: Benign. Last evaluated: 2025-11-03. Review status: criteria provided, single submitter. Criteria: Invitae Variant Classification Sherloc (09022015). Collection method: clinical testing. Allele origin: germline. Not counted in ClinVar's aggregate classification.

Blueprint Genetics
Classification: Likely benign. Last evaluated: 2024-10-28. Review status: criteria provided, single submitter. Criteria: ACMG Guidelines, 2015. Collection method: clinical testing. Allele origin: germline. Not counted in ClinVar's aggregate classification.

Illumina Laboratory Services, Illumina
Classification: Benign for Glanzmann thrombasthenia 1. Last evaluated: 2017-04-27. Review status: criteria provided, single submitter. Criteria: ICSL Variant Classification Criteria 13 December 2019. Collection method: clinical testing. Allele origin: germline. Not counted in ClinVar's aggregate classification.
Comment: This variant was observed as part of a predisposition screen in an ostensibly healthy population. A literature search was performed for the gene, cDNA change, and amino acid change (where applicable). No publications were found based on this search. Allele frequency data from public databases was too high to be consistent with this variant causing disease. Therefore, this variant is classified as benign.

PreventionGenetics, part of Exact Sciences
Classification: Likely benign for ITGB3-related condition. Last evaluated: 2020-07-30. Review status: no assertion criteria provided. Collection method: clinical testing. Allele origin: germline. Not counted in ClinVar's aggregate classification.
Comment: This variant is classified as likely benign based on ACMG/AMP sequence variant interpretation guidelines (Richards et al. 2015 PMID: 25741868, with internal and published modifications).